The following is an entry in ClinVar:

ClinVar aggregate classification (germline): Likely benign. Review status: criteria provided, multiple submitters, no conflicts (2 of 4 stars). 2 submissions from 2 submitters: Likely benign (2). Last evaluated 2026-09-01.

Conditions:
Combined immunodeficiency due to CTPS1 deficiency. Also called: Immunodeficiency 24; Severe combined immunodeficiency due to CTPS1 deficiency. Identifiers: Orphanet 420573, MedGen C4014617, MONDO:0014391, OMIM 615897.

gnomAD v4.1: 1 of 1,614,212 alleles (0.000062%); no homozygotes.

Submissions (2):

CeGaT Center for Human Genetics Tuebingen
Classification: Likely benign. Last evaluated: 2026-09-01. Review status: criteria provided, single submitter. Criteria: CeGaT Center For Human Genetics Tuebingen Variant Classification Criteria Version 2. Collection method: clinical testing. Allele origin: germline. Affected: yes. Observed: 8 variant alleles.
Comment: CTPS1: BP4, BP7

Labcorp Genetics (formerly Invitae), Labcorp
Classification: Likely benign for Combined immunodeficiency due to CTPS1 deficiency. Last evaluated: 2025-02-17. Review status: criteria provided, single submitter. Criteria: Invitae Variant Classification Sherloc (09022015). Collection method: clinical testing. Allele origin: germline.

NM_001905.4(CTPS1):c.762C>A (p.Pro254=)

Gene: CTPS1 (CTP synthase 1; plus strand). Cytogenetic location: 1p34.2.
Variant type: single nucleotide variant.
Coding change: c.762C>A on transcript NM_001905.4 (MANE Select); coding-DNA position 762, C replaced by A.
Protein change: p.Pro254=; no amino-acid change (proline 254 retained).
Molecular consequence: synonymous variant. On other transcripts: non-coding transcript variant (1).
Genome position (GRCh38, 1-based): chr1:40,995,958, C>A. VCF-style: chr1-40995958-C-A. GRCh37 (hg19) VCF-style: chr1-41461630-C-A.
Other names: c.294C>A, p.Pro98= (NM_001301237.2).
Identifiers: ClinVar variation 3898566 (VCV003898566.8).